The following is an entry in ClinVar:

NM_002474.3(MYH11):c.5205G>T (p.Glu1735Asp)

Genes: NDE1 (nudE neurodevelopment protein 1; plus strand), MYH11 (myosin heavy chain 11; minus strand). Cytogenetic location: 16p13.11.
Variant type: single nucleotide variant.
Coding change: c.5205G>T on transcript NM_002474.3 (MANE Select); coding-DNA position 5205, G replaced by T.
Protein change: p.Glu1735Asp; replaces glutamic acid 1735 with aspartic acid.
Molecular consequence: missense variant. On other transcripts: intron variant (2).
Genome position (GRCh38, 1-based): chr16:15,718,405, C>A on the plus strand (G>T on the coding strand, the complement: MYH11 is on the minus strand). VCF-style: chr16-15718405-C-A. GRCh37 (hg19) VCF-style: chr16-15812262-C-A.
Other names: c.5226G>T, p.Glu1742Asp (NM_001040113.2, NM_001040114.2); c.5205G>T, p.Glu1735Asp (NM_022844.3); c.948-5786C>A (NM_001143979.2, NM_017668.3); short protein forms E1742D, E1735D.
Identifiers: ClinVar variation 919771 (VCV000919771.4), dbSNP rs1388279286, ClinGen allele CA394850221.

ClinVar aggregate classification (germline): Uncertain significance (1 of 4 stars; one submission).

Conditions:
Familial thoracic aortic aneurysm and aortic dissection (TAAD). Also called: Thoracic aortic aneurysms and dissections. Identifiers: Orphanet 91387, MedGen C4707243, MONDO:0019625.

Submission:

Color Diagnostics, LLC DBA Color Health
Classification: Uncertain significance for Familial thoracic aortic aneurysm and aortic dissection. Last evaluated: 2024-03-06. Review status: criteria provided, single submitter. Criteria: ACMG Guidelines, 2015. Collection method: clinical testing. Allele origin: germline.
Comment: This missense variant replaces glutamic acid with aspartic acid at codon 1742 of the MYH11 protein. Computational prediction is inconclusive regarding the impact of this variant on protein structure and function (internally defined REVEL score threshold 0.5 < inconclusive < 0.7, PMID: 27666373). To our knowledge, functional studies have not been reported for this variant. This variant has not been reported in individuals affected with cardiovascular disorders in the literature. This variant has not been identified in the general population by the Genome Aggregation Database (gnomAD). The available evidence is insufficient to determine the role of this variant in disease conclusively. Therefore, this variant is classified as a Variant of Uncertain Significance.